The following is an entry in ClinVar:

NM_001845.6(COL4A1):c.2669C>T (p.Pro890Leu)

Gene: COL4A1 (collagen type IV alpha 1 chain; minus strand). Cytogenetic location: 13q34.
Variant type: single nucleotide variant.
Coding change: c.2669C>T on transcript NM_001845.6 (MANE Select); coding-DNA position 2669, C replaced by T.
Protein change: p.Pro890Leu; replaces proline 890 with leucine.
Molecular consequence: missense variant.
Genome position (GRCh38, 1-based): chr13:110,177,889, G>A on the plus strand (C>T on the coding strand, the complement: COL4A1 is on the minus strand). VCF-style: chr13-110177889-G-A. GRCh37 (hg19) VCF-style: chr13-110830236-G-A.
Other names: p.Pro890Leu; short protein forms P890L.
Identifiers: ClinVar variation 804573 (VCV000804573.19), dbSNP rs139859950, ClinGen allele CA7047519.

ClinVar aggregate classification (germline): Conflicting classifications of pathogenicity. Review status: criteria provided, conflicting classifications (1 of 4 stars). 5 submissions from 5 submitters: Uncertain significance (3); Likely benign (2). Last evaluated 2026-01-06.

Conditions:
Inborn genetic diseases. Identifiers: MedGen C0950123, MeSH D030342.

Allele frequency attached by ClinVar (database versions not stated): ESP Exome Variant Server 0.00008; ExAC 0.00009; gnomAD exomes 0.00009; gnomAD 0.00034 and 0.00035; TOPMed 0.00077; 1000 Genomes Project 30x 0.00094; 1000 Genomes Project 0.00100.
gnomAD v4.1: 158 of 1,614,110 alleles (0.0098%); highest among the groups gnomAD compares: Admixed American, 0.11%; 1 homozygote.

Submissions (5):

Labcorp Genetics (formerly Invitae), Labcorp
Classification: Likely benign. Last evaluated: 2026-01-06. Review status: criteria provided, single submitter. Criteria: Invitae Variant Classification Sherloc (09022015). Collection method: clinical testing. Allele origin: germline.

Ambry Genetics
Classification: Likely benign for Inborn genetic diseases. Last evaluated: 2025-08-13. Review status: criteria provided, single submitter. Criteria: Ambry Variant Classification Scheme 2023. Collection method: clinical testing. Allele origin: germline.

GeneDx
Classification: Uncertain significance. Last evaluated: 2025-07-09. Review status: criteria provided, single submitter. Criteria: GeneDx Variant Classification Process June 2021. Collection method: clinical testing. Allele origin: germline. Affected: yes.
Comment: Has not been previously published as pathogenic or benign to our knowledge; Occurs in the triple helical domain at the Y position in the canonical Gly-X-Y repeat; although this variant may have an effect on normal protein folding and function, missense substitution at the Y position is not a common mechanism of disease; In silico analysis supports that this missense variant has a deleterious effect on protein structure/function

Mayo Clinic Laboratories, Mayo Clinic
Classification: Uncertain significance. Last evaluated: 2025-05-26. Review status: criteria provided, single submitter. Criteria: ACMG Guidelines, 2015. Collection method: clinical testing. Allele origin: germline. Observed: 2 variant alleles.
Comment: BS1

Athena Diagnostics
Classification: Uncertain significance. Last evaluated: 2018-10-18. Review status: criteria provided, single submitter. Criteria: Athena Diagnostics Criteria. Collection method: clinical testing. Allele origin: germline.